The following is an entry in ClinVar:

NM_004369.4(COL6A3):c.7928C>T (p.Ala2643Val)

Gene: COL6A3 (collagen type VI alpha 3 chain; minus strand). Cytogenetic location: 2q37.3.
Variant type: single nucleotide variant.
Coding change: c.7928C>T on transcript NM_004369.4 (MANE Select); coding-DNA position 7928, C replaced by T.
Protein change: p.Ala2643Val; replaces alanine 2643 with valine.
Molecular consequence: missense variant.
Genome position (GRCh38, 1-based): chr2:237,340,988, G>A on the plus strand (C>T on the coding strand, the complement: COL6A3 is on the minus strand). VCF-style: chr2-237340988-G-A. GRCh37 (hg19) VCF-style: chr2-238249631-G-A.
Other names: c.6107C>T, p.Ala2036Val (NM_057166.5); c.7310C>T, p.Ala2437Val (NM_057167.4); short protein forms A2643V, A2437V, A2036V.
Identifiers: ClinVar variation 128821 (VCV000128821.54), dbSNP rs111595697, ClinGen allele CA152472.

ClinVar aggregate classification (germline): Benign/Likely benign. Review status: criteria provided, multiple submitters, no conflicts (2 of 4 stars). 11 submissions from 11 submitters: Benign (5); Likely benign (4). 2 of the submissions do not count toward it. Last evaluated 2026-03-01.

Conditions:
Collagen 6-related myopathy. Identifiers: MedGen CN117976, MONDO:0100225.
Bethlem myopathy 1A. Also called: Bethlem myopathy 1; Bethlem Muscular Dystrophy; MYOPATHY, BENIGN CONGENITAL, WITH CONTRACTURES. Identifiers: Orphanet 610, MedGen CN029274, MONDO:0024530, OMIM 158810.

Allele frequency attached by ClinVar (database versions not stated): gnomAD exomes 0.00192; ExAC 0.00222; ESP Exome Variant Server 0.00438; 1000 Genomes Project 0.00439; gnomAD 0.00450 and 0.00482; 1000 Genomes Project 30x 0.00468; TOPMed 0.00475.
gnomAD v4.1: 2,662 of 1,614,164 alleles (0.16%); highest among the groups gnomAD compares: African/African-American, 1.3%; 20 homozygotes.

Submissions (11):

CeGaT Center for Human Genetics Tuebingen
Classification: Benign. Last evaluated: 2026-03-01. Review status: criteria provided, single submitter. Criteria: CeGaT Center For Human Genetics Tuebingen Variant Classification Criteria Version 2. Collection method: clinical testing. Allele origin: germline. Affected: yes. Observed: 5 variant alleles.
Comment: COL6A3: BP4, BS1, BS2

Labcorp Genetics (formerly Invitae), Labcorp
Classification: Benign for Bethlem myopathy 1A. Last evaluated: 2026-01-27. Review status: criteria provided, single submitter. Criteria: Invitae Variant Classification Sherloc (09022015). Collection method: clinical testing. Allele origin: germline.

Genomic Medicine Center of Excellence, King Faisal Specialist Hospital and Research Centre
Classification: Likely benign. Last evaluated: 2025-08-18. Review status: criteria provided, single submitter. Criteria: ACMG Guidelines, 2015. Collection method: clinical testing. Allele origin: germline.

Illumina Laboratory Services, Illumina
Classification: Benign for Collagen VI-related myopathy. Last evaluated: 2018-01-13. Review status: criteria provided, single submitter. Criteria: ICSL Variant Classification Criteria 13 December 2019. Collection method: clinical testing. Allele origin: germline.
Comment: This variant was observed in the ICSL laboratory as part of a predisposition screen in an ostensibly healthy population. It had not been previously curated by ICSL or reported in the Human Gene Mutation Database (HGMD: prior to June 1st, 2018), and was therefore a candidate for classification through an automated scoring system. Utilizing variant allele frequency, disease prevalence and penetrance estimates, and inheritance mode, an automated score was calculated to assess if this variant is too frequent to cause the disease. Based on the score and internal cut-off values, a variant classified as benign is not then subjected to further curation. The score for this variant resulted in a classification of benign for this disease.

Athena Diagnostics
Classification: Benign. Last evaluated: 2017-06-19. Review status: criteria provided, single submitter. Criteria: Athena Diagnostics Criteria. Collection method: clinical testing. Allele origin: unknown.

GeneDx
Classification: Benign. Last evaluated: 2017-06-16. Review status: criteria provided, single submitter. Criteria: GeneDx Variant Classification (06012015). Collection method: clinical testing. Allele origin: germline. Affected: yes.
Comment: This variant is considered likely benign or benign based on one or more of the following criteria: it is a conservative change, it occurs at a poorly conserved position in the protein, it is predicted to be benign by multiple in silico algorithms, and/or has population frequency not consistent with disease.

Genetic Services Laboratory, University of Chicago
Classification: Likely benign. Last evaluated: 2015-03-03. Review status: criteria provided, single submitter. Criteria: ACMG Guidelines, 2015. Collection method: clinical testing. Allele origin: germline.

Breakthrough Genomics
Classification: Likely benign. Review status: criteria provided, single submitter. Criteria: ACMG Guidelines, 2015. Collection method: not provided. Allele origin: germline. Inheritance: Autosomal recessive inheritance. Affected: yes.

PreventionGenetics, part of Exact Sciences
Classification: Likely benign. Review status: criteria provided, single submitter. Criteria: ACMG Guidelines, 2015. Collection method: clinical testing. Allele origin: germline.

Genome Diagnostics Laboratory, University Medical Center Utrecht
Classification: Likely benign. Review status: no assertion criteria provided. Collection method: clinical testing. Allele origin: germline. Affected: yes. Study: VKGL Data-share Consensus. Not counted in ClinVar's aggregate classification.

Laboratory of Diagnostic Genome Analysis, Leiden University Medical Center (LUMC)
Classification: Likely benign. Review status: no assertion criteria provided. Collection method: clinical testing. Allele origin: germline. Affected: yes. Study: VKGL Data-share Consensus. Not counted in ClinVar's aggregate classification.